The following is an entry in ClinVar:

NM_080722.4(ADAMTS14):c.3588G>A (p.Thr1196=)

Gene: ADAMTS14 (ADAM metallopeptidase with thrombospondin type 1 motif 14; plus strand). Cytogenetic location: 10q22.1.
Variant type: single nucleotide variant.
Coding change: c.3588G>A on transcript NM_080722.4 (MANE Select); coding-DNA position 3588, G replaced by A.
Protein change: p.Thr1196=; no amino-acid change (threonine 1196 retained).
Molecular consequence: synonymous variant.
Genome position (GRCh38, 1-based): chr10:70,760,769, G>A. VCF-style: chr10-70760769-G-A. GRCh37 (hg19) VCF-style: chr10-72520525-G-A.
Other names: c.3597G>A, p.Thr1199= (NM_139155.3).
Identifiers: ClinVar variation 2640559 (VCV002640559.24), dbSNP rs61736608, ClinGen allele CA5540467.

ClinVar aggregate classification (germline): Likely benign (1 of 4 stars; one submission).

Allele frequency attached by ClinVar (database versions not stated): 1000 Genomes Project 0.00040; 1000 Genomes Project 30x 0.00047; gnomAD 0.00143; ESP Exome Variant Server 0.00146; ExAC 0.00166.
gnomAD v4.1: 2,867 of 1,612,960 alleles (0.18%); highest among the groups gnomAD compares: Middle Eastern, 0.74%; 5 homozygotes.

Submission:

CeGaT Center for Human Genetics Tuebingen
Classification: Likely benign. Last evaluated: 2022-09-01. Review status: criteria provided, single submitter. Criteria: CeGaT Center For Human Genetics Tuebingen Variant Classification Criteria Version 2. Collection method: clinical testing. Allele origin: germline. Affected: yes. Observed: 1 variant allele.
Comment: ADAMTS14: BP4, BP7